The following is an entry in ClinVar:

ClinVar aggregate classification (germline): Uncertain significance (1 of 4 stars; one submission).

Allele frequency attached by ClinVar (database versions not stated): gnomAD 0.00001; TOPMed below 0.00001.
gnomAD v4.1: 11 of 1,613,988 alleles (0.00068%); highest among the groups gnomAD compares: Admixed American, 0.0033%; 1 homozygote.

Submission:

GeneDx
Classification: Uncertain significance. Last evaluated: 2020-08-03. Review status: criteria provided, single submitter. Criteria: GeneDx Variant Classification Process June 2021. Collection method: clinical testing. Allele origin: germline. Affected: yes.
Comment: Not observed at a significant frequency in large population cohorts (Lek et al., 2016); In silico analysis supports that this missense variant has a deleterious effect on protein structure/function; Has not been previously published as pathogenic or benign to our knowledge

NM_001083961.2(WDR62):c.1129G>A (p.Val377Met)

Gene: WDR62 (WD repeat domain 62; plus strand). Cytogenetic location: 19q13.12.
Variant type: single nucleotide variant.
Coding change: c.1129G>A on transcript NM_001083961.2 (MANE Select); coding-DNA position 1129, G replaced by A.
Protein change: p.Val377Met; replaces valine 377 with methionine.
Molecular consequence: missense variant.
Genome position (GRCh38, 1-based): chr19:36,073,427, G>A. VCF-style: chr19-36073427-G-A. GRCh37 (hg19) VCF-style: chr19-36564329-G-A.
Other names: c.1129G>A, p.Val377Met (NM_173636.5); short protein forms V377M.
Identifiers: ClinVar variation 1201922 (VCV001201922.3), dbSNP rs761204875, ClinGen allele CA405433417.